The following is an entry in ClinVar:

NC_000023.10:g.(?_18660124)_(18690188_?)dup

Genes: CDKL5 (cyclin dependent kinase like 5; plus strand), RS1 (retinoschisin 1; minus strand). Cytogenetic location: Xp22.13.
Variant type: Duplication.
Identifiers: ClinVar variation 3244343 (VCV003244343.1).

ClinVar aggregate classification (germline): Uncertain significance (1 of 4 stars; one submission).

Conditions:
Angelman syndrome-like. Identifiers: MedGen CN128785.
Developmental and epileptic encephalopathy, 2 (DEE2). Also called: INFANTILE SPASM SYNDROME, X-LINKED 2; CDKL5 deficiency disorder. Identifiers: Orphanet 1934, Orphanet 3451, Orphanet 505652, MedGen C4750718, MONDO:0010396, OMIM 300672.

Submission:

Labcorp Genetics (formerly Invitae), Labcorp
Classification: Uncertain significance for Developmental and epileptic encephalopathy, 2; Angelman syndrome-like. Last evaluated: 2022-10-17. Review status: criteria provided, single submitter. Criteria: Invitae Variant Classification Sherloc (09022015). Collection method: clinical testing. Allele origin: unknown.
Comment: In summary, the available evidence is currently insufficient to determine the role of this variant in disease. Therefore, it has been classified as a Variant of Uncertain Significance. Experimental studies and prediction algorithms are not available or were not evaluated, and the functional significance of this variant is currently unknown. This variant has not been reported in the literature in individuals affected with CDKL5-related conditions. This variant results in a copy number gain of the genomic region encompassing exon(s) 19-21 of the CDKL5 gene. However, it is currently unclear if variants that occur in this region of the gene cause disease.